The following is an entry in ClinVar:

NC_000017.10:g.(?_41256119)_(41267816_?)dup

Gene: BRCA1 (BRCA1 DNA repair associated; minus strand). Cytogenetic location: 17q21.31.
Variant type: Duplication.
Identifiers: ClinVar variation 1517673 (VCV001517673.9).

ClinVar aggregate classification (germline): Likely pathogenic (1 of 4 stars; one submission).

Conditions:
Hereditary breast ovarian cancer syndrome. Also called: Hereditary breast and/or ovarian cancer syndrome; Breast and ovarian cancer; Hereditary breast and ovarian cancer; BRCA1- and BRCA2-Associated Hereditary Breast and Ovarian Cancer; Hereditary breast and ovarian cancer syndrome; Hereditary breast and ovarian cancer syndrome (HBOC). Identifiers: Orphanet 145, MedGen C0677776, MeSH D061325, MONDO:0003582. Disease mechanism: loss of function.

Submission:

Labcorp Genetics (formerly Invitae), Labcorp
Classification: Likely pathogenic for Hereditary breast ovarian cancer syndrome. Last evaluated: 2021-06-17. Review status: criteria provided, single submitter. Criteria: Invitae Variant Classification Sherloc (09022015). Collection method: clinical testing. Allele origin: germline.
Comment: In summary, the currently available evidence indicates that the variant is pathogenic, but additional data are needed to prove that conclusively. Therefore, this variant has been classified as Likely Pathogenic. This variant results in a copy number gain of the genomic region encompassing exon(s) 3-6 of the BRCA1 gene. While the exact position of this variant cannot be determined from the data, sub-genic copy number gains are generally in tandem (PMID: 25640679). This variant is predicted to be out-of-frame, and may result in an absent or disrupted protein product. Loss-of-function variants in BRCA1 are known to be pathogenic (PMID: 20104584). This variant has been observed in individual(s) with breast cancer (PMID: 21327469).

Literature cited by the submitters: PubMed 25640679; PubMed 20104584; PubMed 21327469.